The following is an entry in ClinVar:

NM_006767.4(LZTR1):c.380G>T (p.Gly127Val)

Gene: LZTR1 (leucine zipper like post translational regulator 1; plus strand). Cytogenetic location: 22q11.21.
Variant type: single nucleotide variant.
Coding change: c.380G>T on transcript NM_006767.4 (MANE Select); coding-DNA position 380, G replaced by T.
Protein change: p.Gly127Val; replaces glycine 127 with valine.
Molecular consequence: missense variant.
Genome position (GRCh38, 1-based): chr22:20,987,563, G>T. VCF-style: chr22-20987563-G-T. GRCh37 (hg19) VCF-style: chr22-21341852-G-T.
Other names: short protein forms G127V.
Identifiers: ClinVar variation 1991884 (VCV001991884.4), dbSNP rs751261684, ClinGen allele CA10118398.

ClinVar aggregate classification (germline): Uncertain significance (1 of 4 stars; one submission).

Allele frequency attached by ClinVar (database versions not stated): ExAC 0.00001.
gnomAD v4.1: 1 of 1,614,122 alleles (0.000062%); highest among the groups gnomAD compares: Non-Finnish European, 0.000085%; no homozygotes.

Submission:

Labcorp Genetics (formerly Invitae), Labcorp
Classification: Uncertain significance. Last evaluated: 2022-05-02. Review status: criteria provided, single submitter. Criteria: Invitae Variant Classification Sherloc (09022015). Collection method: clinical testing. Allele origin: germline.
Comment: This sequence change replaces glycine, which is neutral and non-polar, with valine, which is neutral and non-polar, at codon 127 of the LZTR1 protein (p.Gly127Val). This variant is present in population databases (rs751261684, gnomAD 0.0009%). This variant has not been reported in the literature in individuals affected with LZTR1-related conditions. Algorithms developed to predict the effect of missense changes on protein structure and function (SIFT, PolyPhen-2, Align-GVGD) all suggest that this variant is likely to be disruptive. In summary, the available evidence is currently insufficient to determine the role of this variant in disease. Therefore, it has been classified as a Variant of Uncertain Significance.